The following is an entry in ClinVar:

NM_000350.3(ABCA4):c.32T>C (p.Leu11Pro)

Gene: ABCA4 (ATP binding cassette subfamily A member 4; minus strand). Cytogenetic location: 1p22.1.
Variant type: single nucleotide variant.
Coding change: c.32T>C on transcript NM_000350.3 (MANE Select); coding-DNA position 32, T replaced by C.
Protein change: p.Leu11Pro; replaces leucine 11 with proline.
Molecular consequence: missense variant.
Genome position (GRCh38, 1-based): chr1:94,121,014, A>G on the plus strand (T>C on the coding strand, the complement: ABCA4 is on the minus strand). VCF-style: chr1-94121014-A-G. GRCh37 (hg19) VCF-style: chr1-94586570-A-G.
Other names: NP_000341.2:p.(Leu11Pro); NM_000350.3(ABCA4):c.32T>C; c.32T>C, p.Leu11Pro (NM_001425324.1); short protein forms L11P.
Identifiers: ClinVar variation 99217 (VCV000099217.26), dbSNP rs62645946, ClinGen allele CA227106.

ClinVar aggregate classification (germline): Pathogenic. Review status: reviewed by expert panel (3 of 4 stars). 15 submissions from 14 submitters: Pathogenic (1). 14 of the submissions do not count toward it. Last evaluated 2025-12-05.

Conditions:
ABCA4-related retinopathy. Also called: ABCA4-related retinoapthy; ABCA4 retinoapthy. Identifiers: MedGen CN322612, MONDO:0800406.
ABCA4-related disorder. Also called: ABCA4-related condition; ABCA4-related disorders. Identifiers: MedGen CN239167.
Cone-rod dystrophy 3 (CORD3). Identifiers: Orphanet 1872, MedGen C1858806, MONDO:0011395, OMIM 604116.
Age related macular degeneration 2. Also called: MACULAR DEGENERATION, SENILE; MACULOPATHY, AGE-RELATED, 2; MACULOPATHY, AGE-RELATED. Identifiers: MedGen C3495438, MONDO:0007932, OMIM 153800.
Retinitis pigmentosa 19 (RP19). Also called: ABCA4-Related Retinitis Pigmentosa. Identifiers: Orphanet 791, MedGen C1866422, MONDO:0011137, OMIM 601718.
Severe early-childhood-onset retinal dystrophy (STGD1). Also called: MACULAR DYSTROPHY WITH FLECKS, TYPE 1; STGD; Stargardt disease 1; Stargardt macular dystrophy; Juvenile onset macular degeneration. Identifiers: Orphanet 364055, Orphanet 827, MedGen C1855465, MeSH D000080362, MONDO:0009549, OMIM 248200.
Retinitis pigmentosa (RP). Identifiers: Orphanet 791, MedGen C0035334, MeSH D012174, MONDO:0019200, OMIM 268000. Inheritance: Autosomal dominant, autosomal recessive and X linked inheritance.
Stargardt disease (FFM). Also called: Fundus flavimaculatus; Stargardt's disease. Identifiers: Orphanet 827, MedGen C0271093, MONDO:0019353.
Cone-rod dystrophy. Also called: Cone-rod degeneration; Cone/cone-rod dystrophy. Identifiers: Orphanet 1872, MedGen C4085590, MONDO:0015993, HP:0000548.

Allele frequency attached by ClinVar (database versions not stated): TOPMed 0.00001; gnomAD exomes below 0.00001; ExAC 0.00001; gnomAD 0.00001.
gnomAD v4.1: 7 of 1,613,874 alleles (0.00043%); highest among the groups gnomAD compares: Admixed American, 0.0017%; no homozygotes.

Submissions 1 to 12 of 15:

ClinGen ABCA4 Variant Curation Expert Panel, Clingen
Classification: Pathogenic for ABCA4-related retinopathy. Last evaluated: 2025-12-05. Review status: reviewed by expert panel. Criteria: ClinGen ABCA4 ACMG Specifications V1.0.0. Collection method: curation. Allele origin: germline. Inheritance: Autosomal recessive inheritance.
Comment: The NM_000350.3(ABCA4):c.32T>C variant in ABCA4 is a missense variant predicted to cause substitution of leucine by proline at amino acid 11 (p.Leu11Pro). The total minor allele frequency in gnomAD v4.1.0 is 0.000004337 (7/1613874 alleles), which is lower than the ClinGen ABCA4 VCEP’s threshold for PM2_Supporting (<0.0001), meeting this criterion (PM2_Supporting). The computational predictor REVEL gives a score of 0.948 which is above the threshold of >0.772, evidence that predicts a damaging effect on ABCA4 function (PP3_Moderate). The prevalence of the variant in affected individuals is significantly increased compared with the prevalence in controls with an OR of 95.5 and the CI is 12.78-41149.08, which is above the ABCA4 VCEP threshold of ≥5, where the CI does not contain 1 (PS4; PMID: 35120629). This variant has been detected in at least 2 individuals with ABCA4-related retinopathy who were compound heterozygotes for the variant and a pathogenic variant (c.1A>G; p.Met1Val, c.2888delG) and both of those were confirmed in trans by family testing (PM3_Strong; PMIDs: 19365591, 17325136). In summary, this variant meets the criteria to be classified as pathogenic for ABCA4-related retinopathy based on the ACMG/AMP criteria applied, as specified by the ClinGen ABCA4 VCEP (Specification Version 1.0): PS4, PM3_Strong, PM2_Supporting, PP3_Moderate.

PreventionGenetics, part of Exact Sciences
Classification: Pathogenic for ABCA4-related condition. Last evaluated: 2026-08-10. Review status: criteria provided, single submitter. Criteria: ACMG Guidelines, 2015. Collection method: clinical testing. Allele origin: germline. Not counted in ClinVar's aggregate classification.
Comment: The ABCA4 c.32T>C variant is predicted to result in the amino acid substitution p.Leu11Pro. This variant has been reported in multiple individuals with retinal disease (see for examples: Rozet et al. 1998. PubMed ID: 9781034; Cideciyan et al. 2008. PubMed ID: 19074458; Table S1, Fujinami et al. 2018. PubMed ID: 29925512; Table S2, Peter et al. 2023. PubMed ID: 36909829; Salles et al. 2018. PubMed ID: 30093795). This variant is present in 0.00088% of alleles in individuals of European (Non-Finnish) descent in gnomAD, and a study of the frequency of this variant in affected individuals versus the general population has classified this variant as having mild/moderate severity (Table S2A, Cornelis et al. 2022. PubMed ID: 35120629). This variant is interpreted as pathogenic.

OLLIN Analises Genomicas, OLLIN
Classification: Pathogenic for Retinitis pigmentosa 19. Last evaluated: 2026-02-13. Review status: criteria provided, single submitter. Criteria: ACMG Guidelines 2015 PMID 25741868. Collection method: clinical testing. Allele origin: germline. Observed: 2 variant alleles. Not counted in ClinVar's aggregate classification.
Comment: PS4, PM2_P, PM3_S, PP3_M

Labcorp Genetics (formerly Invitae), Labcorp
Classification: Pathogenic. Last evaluated: 2025-11-05. Review status: criteria provided, single submitter. Criteria: Invitae Variant Classification Sherloc (09022015). Collection method: clinical testing. Allele origin: germline. Not counted in ClinVar's aggregate classification.
Comment: This sequence change replaces leucine, which is neutral and non-polar, with proline, which is neutral and non-polar, at codon 11 of the ABCA4 protein (p.Leu11Pro). This variant is present in population databases (rs62645946, gnomAD 0.0009%). This missense change has been observed in individual(s) with ABCA4-related conditions (PMID: 17325136, 19365591, 29925512, 30093795). In at least one individual the data is consistent with being in trans (on the opposite chromosome) from a pathogenic variant. ClinVar contains an entry for this variant (Variation ID: 99217). Invitae Evidence Modeling of protein sequence and biophysical properties (such as structural, functional, and spatial information, amino acid conservation, physicochemical variation, residue mobility, and thermodynamic stability) indicates that this missense variant is expected to disrupt ABCA4 protein function with a positive predictive value of 95%. For these reasons, this variant has been classified as Pathogenic.

Institute of Medical Genetics and Applied Genomics, University Hospital Tübingen
Classification: Pathogenic for Severe early-childhood-onset retinal dystrophy. Last evaluated: 2025-10-08. Review status: criteria provided, single submitter. Criteria: ACMG Guidelines, 2015. Collection method: clinical testing. Allele origin: germline. Inheritance: Autosomal recessive inheritance. Affected: yes. Not counted in ClinVar's aggregate classification.

Fulgent Genetics
Classification: Pathogenic for Age related macular degeneration 2; Severe early-childhood-onset retinal dystrophy; Retinitis pigmentosa 19; Cone-rod dystrophy 3. Last evaluated: 2024-01-30. Review status: criteria provided, single submitter. Criteria: ACMG Guidelines, 2015. Collection method: clinical testing. Allele origin: germline. Not counted in ClinVar's aggregate classification.

3billion
Classification: Pathogenic for Severe early-childhood-onset retinal dystrophy. Last evaluated: 2023-09-20. Review status: criteria provided, single submitter. Criteria: ACMG Guidelines, 2015. Collection method: clinical testing. Allele origin: germline. Affected: yes. Not counted in ClinVar's aggregate classification.
Comment: The variant is observed at an extremely low frequency in the gnomAD v2.1.1 dataset (total allele frequency: 0.000%). Predicted Consequence/Location: Missense variant Functional studies provide moderate evidence of the variant having a damaging effect on the gene or gene product (PMID: 17325136). In silico tool predictions suggest damaging effect of the variant on gene or gene product [REVEL: 0.95 (>=0.6, sensitivity 0.68 and specificity 0.92); 3Cnet: 0.69 (>=0.6, sensitivity 0.72 and precision 0.9)]. Same nucleotide change resulting in same amino acid change has been previously reported as pathogenic/likely pathogenic with strong evidence (ClinVar ID: VCV000099217 /PMID: 9781034).The variant has been reported to be in trans with a pathogenic variant as either compound heterozygous or homozygous in at least 4 similarly affected unrelated individuals (PMID: 17325136, 19365591, 29925512, 30093795). Therefore, this variant is classified as Pathogenic according to the recommendation of ACMG/AMP guideline.

Ophthalmic Genetics Group, Institute of Molecular and Clinical Ophthalmology Basel
Classification: Pathogenic for Stargardt disease. Last evaluated: 2023-07-24. Review status: criteria provided, single submitter. Criteria: ACMG Guidelines, 2015. Collection method: research. Allele origin: germline. Affected: yes. Observed: 1 variant allele. Not counted in ClinVar's aggregate classification.
Comment: Clinical significance based on ACMG v2.0

This variant was classified as Pathogenic based on ACMG criteria: PM2, PP2, PM2, PP3, PP5.

Ophthalmic Genetics Group, Institute of Molecular and Clinical Ophthalmology Basel
Classification: Pathogenic for Cone-rod dystrophy. Last evaluated: 2023-07-24. Review status: criteria provided, single submitter. Criteria: ACMG Guidelines, 2015. Collection method: research. Allele origin: germline. Affected: yes. Observed: 1 variant allele. Not counted in ClinVar's aggregate classification.
Comment: the same text as in the submission from Ophthalmic Genetics Group, Institute of Molecular and Clinical Ophthalmology Basel above.

Blueprint Genetics
Classification: Pathogenic for ABCA4-related disorders. Last evaluated: 2022-10-14. Review status: criteria provided, single submitter. Criteria: ACMG Guidelines, 2015. Collection method: clinical testing. Allele origin: germline. Affected: yes. Observed: 5 variant alleles. Not counted in ClinVar's aggregate classification.

Mendelics
Classification: Pathogenic for Age related macular degeneration 2. Last evaluated: 2022-05-04. Review status: criteria provided, single submitter. Criteria: Mendelics Assertion Criteria 2019. Collection method: clinical testing. Allele origin: germline. Not counted in ClinVar's aggregate classification.

AiLife Diagnostics
Classification: Likely pathogenic. Last evaluated: 2021-06-15. Review status: criteria provided, single submitter. Criteria: ACMG Guidelines, 2015. Collection method: clinical testing. Allele origin: germline. Affected: yes. Observed: 1 variant allele. Not counted in ClinVar's aggregate classification.